The following is an entry in ClinVar:

ClinVar aggregate classification (germline): Uncertain significance (1 of 4 stars; one submission).

Allele frequency attached by ClinVar (database versions not stated): ExAC 0.00001; gnomAD 0.00001; gnomAD exomes 0.00003; ESP Exome Variant Server 0.00008.
gnomAD v4.1: 39 of 1,613,838 alleles (0.0024%); highest among the groups gnomAD compares: Non-Finnish European, 0.0032%; no homozygotes.

Submission:

Labcorp Genetics (formerly Invitae), Labcorp
Classification: Uncertain significance. Last evaluated: 2023-06-29. Review status: criteria provided, single submitter. Criteria: Invitae Variant Classification Sherloc (09022015). Collection method: clinical testing. Allele origin: germline.
Comment: Variants that disrupt the consensus splice site are a relatively common cause of aberrant splicing (PMID: 17576681, 9536098). Algorithms developed to predict the effect of sequence changes on RNA splicing suggest that this variant is not likely to affect RNA splicing. This sequence change falls in intron 11 of the MAP3K20 gene. It does not directly change the encoded amino acid sequence of the MAP3K20 protein. It affects a nucleotide within the consensus splice site. The frequency data for this variant in the population databases is considered unreliable, as metrics indicate poor data quality at this position in the gnomAD database. This variant has not been reported in the literature in individuals affected with MAP3K20-related conditions. ClinVar contains an entry for this variant (Variation ID: 2149538). In summary, the available evidence is currently insufficient to determine the role of this variant in disease. Therefore, it has been classified as a Variant of Uncertain Significance.

Literature cited by the submitters: PubMed 17576681; PubMed 9536098.

NM_016653.3(MAP3K20):c.988-3C>T

Genes: MAP3K20 (mitogen-activated protein kinase kinase kinase 20; plus strand), MAP3K20-AS1 (MAP3K20 antisense RNA 1; minus strand). Cytogenetic location: 2q31.1.
Variant type: single nucleotide variant.
Coding change: c.988-3C>T on transcript NM_016653.3 (MANE Select); 3 bases into the intron before coding-DNA position 988, C replaced by T.
Molecular consequence: intron variant.
Genome position (GRCh38, 1-based): chr2:173,229,686, C>T. VCF-style: chr2-173229686-C-T. GRCh37 (hg19) VCF-style: chr2-174094414-C-T.
Identifiers: ClinVar variation 2149538 (VCV002149538.4), dbSNP rs371110590, ClinGen allele CA1970694.